The following is an entry in ClinVar:

NM_004168.4(SDHA):c.574G>A (p.Val192Met)

Gene: SDHA (succinate dehydrogenase complex flavoprotein subunit A; plus strand). Cytogenetic location: 5p15.33.
Variant type: single nucleotide variant.
Coding change: c.574G>A on transcript NM_004168.4 (MANE Select); coding-DNA position 574, G replaced by A.
Protein change: p.Val192Met; replaces valine 192 with methionine.
Molecular consequence: missense variant.
Genome position (GRCh38, 1-based): chr5:226,000, G>A. VCF-style: chr5-226000-G-A. GRCh37 (hg19) VCF-style: chr5-226115-G-A.
Other names: c.430G>A, p.Val144Met (NM_001294332.2); c.574G>A, p.Val192Met (NM_001330758.2); short protein forms V144M, V192M.
Identifiers: ClinVar variation 4843556 (VCV004843556.1).
Genomic context (GRCh38, chr5:226,000, plus strand): 5'-GCATTTGGTGGACAGAGCCTCAAGTTTGGAAAGGGCGGGCAGGCCCATCGGTGCTGCTGT[G>A]TGGCTGATCGGACTGGCCACTCGCTATTGCACACCTTATATGGAAGGGTAAGGCCGCCCC-3'
Protein context (NP_004159.2, residues 182-202): KGGQAHRCCC[Val192Met]ADRTGHSLLH

ClinVar aggregate classification (germline): Uncertain significance (1 of 4 stars; one submission).

Conditions:
Hereditary cancer-predisposing syndrome. Also called: Neoplastic Syndromes, Hereditary; Tumor predisposition; Hereditary Cancer Syndrome; Hereditary neoplastic syndrome. Identifiers: Orphanet 140162, MedGen C0027672, MeSH D009386, MONDO:0015356.

gnomAD v4.1: 11 of 1,614,210 alleles (0.00068%); highest among the groups gnomAD compares: Non-Finnish European, 0.00093%; no homozygotes.

Submission:

Ambry Genetics
Classification: Uncertain significance for Hereditary cancer-predisposing syndrome. Last evaluated: 2026-01-06. Review status: criteria provided, single submitter. Criteria: Ambry Variant Classification Scheme 2023. Collection method: clinical testing. Allele origin: germline.
Comment: The p.V192M variant (also known as c.574G>A), located in coding exon 5 of the SDHA gene, results from a G to A substitution at nucleotide position 574. The valine at codon 192 is replaced by methionine, an amino acid with highly similar properties. This amino acid position is highly conserved in available vertebrate species. In addition, the in silico prediction for this alteration is inconclusive. Based on the available evidence, the clinical significance of this variant remains unclear.